The following is an entry in ClinVar:

NM_181486.4(TBX5):c.1030G>A (p.Glu344Lys)

Gene: TBX5 (T-box transcription factor 5; minus strand). Cytogenetic location: 12q24.21.
Variant type: single nucleotide variant.
Coding change: c.1030G>A on transcript NM_181486.4 (MANE Select); coding-DNA position 1030, G replaced by A.
Protein change: p.Glu344Lys; replaces glutamic acid 344 with lysine.
Molecular consequence: missense variant.
Genome position (GRCh38, 1-based): chr12:114,356,059, C>T on the plus strand (G>A on the coding strand, the complement: TBX5 is on the minus strand). VCF-style: chr12-114356059-C-T. GRCh37 (hg19) VCF-style: chr12-114793864-C-T.
Other names: c.1030G>A, p.Glu344Lys (NM_000192.3); c.880G>A, p.Glu294Lys (NM_080717.4); short protein forms E294K, E344K.
Identifiers: ClinVar variation 4865365 (VCV004865365.1).

ClinVar aggregate classification (germline): Uncertain significance (1 of 4 stars; one submission).

Conditions:
Cardiovascular phenotype. Identifiers: MedGen CN230736.

Submission:

Ambry Genetics
Classification: Uncertain significance for Cardiovascular phenotype. Last evaluated: 2026-06-12. Review status: criteria provided, single submitter. Criteria: Ambry Variant Classification Scheme 2023. Collection method: clinical testing. Allele origin: germline.
Comment: The p.E344K variant (also known as c.1030G>A), located in coding exon 8 of the TBX5 gene, results from a G to A substitution at nucleotide position 1030. The glutamic acid at codon 344 is replaced by lysine, an amino acid with similar properties. This amino acid position is conserved. In addition, the in silico prediction for this alteration is inconclusive. Based on the available evidence, the clinical significance of this variant remains unclear.